The following is an entry in ClinVar:

ClinVar aggregate classification (germline): Uncertain significance. Review status: criteria provided, multiple submitters, no conflicts (2 of 4 stars). 4 submissions from 4 submitters: Uncertain significance (4). Last evaluated 2025-10-02.

Conditions:
Inborn genetic diseases. Identifiers: MedGen C0950123, MeSH D030342.

Allele frequency attached by ClinVar (database versions not stated): gnomAD 0.00001; TOPMed 0.00001.
gnomAD v4.1: 6 of 1,612,864 alleles (0.00037%); highest among the groups gnomAD compares: Admixed American, 0.0067%; no homozygotes.

Submissions (4):

Labcorp Genetics (formerly Invitae), Labcorp
Classification: Uncertain significance. Last evaluated: 2025-10-02. Review status: criteria provided, single submitter. Criteria: Invitae Variant Classification Sherloc (09022015). Collection method: clinical testing. Allele origin: germline.
Comment: This sequence change replaces proline, which is neutral and non-polar, with serine, which is neutral and polar, at codon 23 of the TOPORS protein (p.Pro23Ser). This variant is present in population databases (no rsID available, gnomAD 0.003%). This variant has not been reported in the literature in individuals affected with TOPORS-related conditions. ClinVar contains an entry for this variant (Variation ID: 195252). An algorithm developed to predict the effect of missense changes on protein structure and function (PolyPhen-2) suggests that this variant is likely to be disruptive. In summary, the available evidence is currently insufficient to determine the role of this variant in disease. Therefore, it has been classified as a Variant of Uncertain Significance.

Ambry Genetics
Classification: Uncertain significance for Inborn genetic diseases. Last evaluated: 2022-08-08. Review status: criteria provided, single submitter. Criteria: Ambry Variant Classification Scheme 2023. Collection method: clinical testing. Allele origin: germline.

Eurofins Ntd Llc (ga)
Classification: Uncertain significance. Last evaluated: 2014-12-04. Review status: criteria provided, single submitter. Criteria: EGL Classification Definitions 2015. Collection method: clinical testing. Allele origin: germline. Observed: 1 variant allele, 1 heterozygote.

Breakthrough Genomics
Classification: Uncertain significance. Review status: criteria provided, single submitter. Criteria: ACMG Guidelines, 2015. Collection method: not provided. Allele origin: germline. Inheritance: Autosomal recessive inheritance. Affected: yes.

NM_005802.5(TOPORS):c.67C>T (p.Pro23Ser)

Gene: TOPORS (TOP1 binding arginine/serine rich protein, E3 ubiquitin ligase; minus strand). Cytogenetic location: 9p21.1.
Variant type: single nucleotide variant.
Coding change: c.67C>T on transcript NM_005802.5 (MANE Select); coding-DNA position 67, C replaced by T.
Protein change: p.Pro23Ser; replaces proline 23 with serine.
Molecular consequence: missense variant. On other transcripts: intron variant (1).
Genome position (GRCh38, 1-based): chr9:32,550,905, G>A on the plus strand (C>T on the coding strand, the complement: TOPORS is on the minus strand). VCF-style: chr9-32550905-G-A. GRCh37 (hg19) VCF-style: chr9-32550903-G-A.
Other names: c.67C>T (NM_005802.4); c.3+1529C>T (NM_001195622.2); short protein forms P23S.
Identifiers: ClinVar variation 195252 (VCV000195252.15), dbSNP rs780800052, ClinGen allele CA241595.